The following is an entry in ClinVar:

ClinVar aggregate classification (germline): Uncertain significance (1 of 4 stars; one submission).

gnomAD v4.1: 1 of 1,610,342 alleles (0.000062%); highest among the groups gnomAD compares: Non-Finnish European, 0.000085%; no homozygotes.

Submission:

Ambry Genetics
Classification: Uncertain significance. Last evaluated: 2025-06-12. Review status: criteria provided, single submitter. Criteria: Ambry Variant Classification Scheme 2023. Collection method: clinical testing. Allele origin: germline.
Comment: The p.A211S variant (also known as c.631G>T), located in coding exon 3 of the GALNT12 gene, results from a G to T substitution at nucleotide position 631. The alanine at codon 211 is replaced by serine, an amino acid with similar properties. This amino acid position is conserved. In addition, the in silico prediction for this alteration is inconclusive. Since supporting evidence is limited at this time, the clinical significance of this alteration remains unclear.

NM_024642.5(GALNT12):c.631G>T (p.Ala211Ser)

Gene: GALNT12 (polypeptide N-acetylgalactosaminyltransferase 12; plus strand). Cytogenetic location: 9q22.33.
Variant type: single nucleotide variant.
Coding change: c.631G>T on transcript NM_024642.5 (MANE Select); coding-DNA position 631, G replaced by T.
Protein change: p.Ala211Ser; replaces alanine 211 with serine.
Molecular consequence: missense variant.
Genome position (GRCh38, 1-based): chr9:98,826,841, G>T. VCF-style: chr9-98826841-G-T. GRCh37 (hg19) VCF-style: chr9-101589123-G-T.
Other names: short protein forms A211S.
Identifiers: ClinVar variation 2447036 (VCV002447036.3), dbSNP rs377671466, ClinGen allele CA374217555.